The following is an entry in ClinVar:

ClinVar aggregate classification (germline): not provided (0 of 4 stars; one submission).

Conditions:
Familial long QT syndrome (RWS). Also called: Congenital long QT syndrome; Romano-Ward syndrome; VENTRICULAR FIBRILLATION WITH PROLONGED QT INTERVAL. Identifiers: Orphanet 768, MedGen C1141890, MONDO:0019171.

Submission:

Cardiovascular Biomedical Research Unit, Royal Brompton & Harefield NHS Foundation Trust
No classification provided. Condition: Familial long QT syndrome. Review status: no classification provided. Collection method: literature only. Allele origin: germline.
Comment: This variant has been reported as associated with Long QT syndrome in the following publications (PMID:17908752). This is a literature report, and does not necessarily reflect the clinical interpretation of the Imperial College / Royal Brompton Cardiovascular Genetics laboratory.

Literature cited by the submitters: PubMed 17908752; PubMed 22581653.

NM_000238.4(KCNH2):c.2354G>C (p.Gly785Ala)

Gene: KCNH2 (potassium voltage-gated channel subfamily H member 2; minus strand). Cytogenetic location: 7q36.1.
Variant type: single nucleotide variant.
Coding change: c.2354G>C on transcript NM_000238.4 (MANE Select); coding-DNA position 2354, G replaced by C.
Protein change: p.Gly785Ala; replaces glycine 785 with alanine.
Molecular consequence: missense variant.
Genome position (GRCh38, 1-based): chr7:150,950,212, C>G on the plus strand (G>C on the coding strand, the complement: KCNH2 is on the minus strand). VCF-style: chr7-150950212-C-G. GRCh37 (hg19) VCF-style: chr7-150647300-C-G.
Other names: c.2354G>C (LRG_288t1); c.1334G>C, p.Gly445Ala (NM_001204798.2, NM_172057.3); c.2066G>C, p.Gly689Ala (NM_001406753.1, NM_001406756.1); c.2177G>C, p.Gly726Ala (NM_001406755.1); c.2054G>C, p.Gly685Ala (NM_001406757.1); c.2354G>C, p.Gly785Ala (NM_172056.3); short protein forms G445A, G785A, G685A, G726A, G689A.
Identifiers: ClinVar variation 67387 (VCV000067387.3), dbSNP rs199472996, ClinGen allele CA006470.